The following is an entry in ClinVar:

ClinVar aggregate classification (germline): Uncertain significance (1 of 4 stars; one submission).

Conditions:
Cardiovascular phenotype. Identifiers: MedGen CN230736.

gnomAD v4.1: 3 of 1,372,230 alleles (0.00022%); highest among the groups gnomAD compares: Non-Finnish European, 0.00028%; no homozygotes.

Submission:

Ambry Genetics
Classification: Uncertain significance for Cardiovascular phenotype. Last evaluated: 2026-01-17. Review status: criteria provided, single submitter. Criteria: Ambry Variant Classification Scheme 2023. Collection method: clinical testing. Allele origin: germline.
Comment: The p.L256F variant (also known as c.766C>T), located in coding exon 4 of the KCNH2 gene, results from a C to T substitution at nucleotide position 766. The leucine at codon 256 is replaced by phenylalanine, an amino acid with highly similar properties. This amino acid position is conserved. In addition, this alteration is predicted to be deleterious by in silico analysis. Based on the available evidence, the clinical significance of this variant remains unclear.

NM_000238.4(KCNH2):c.766C>T (p.Leu256Phe)

Gene: KCNH2 (potassium voltage-gated channel subfamily H member 2; minus strand). Cytogenetic location: 7q36.1.
Variant type: single nucleotide variant.
Coding change: c.766C>T on transcript NM_000238.4 (MANE Select); coding-DNA position 766, C replaced by T.
Protein change: p.Leu256Phe; replaces leucine 256 with phenylalanine.
Molecular consequence: missense variant. On other transcripts: non-coding transcript variant (1).
Genome position (GRCh38, 1-based): chr7:150,958,209, G>A on the plus strand (C>T on the coding strand, the complement: KCNH2 is on the minus strand). VCF-style: chr7-150958209-G-A. GRCh37 (hg19) VCF-style: chr7-150655297-G-A.
Other names: c.478C>T, p.Leu160Phe (NM_001406753.1, NM_001406756.1); c.589C>T, p.Leu197Phe (NM_001406755.1); c.466C>T, p.Leu156Phe (NM_001406757.1); c.766C>T, p.Leu256Phe (NM_172056.3); short protein forms L156F, L160F, L197F, L256F.
Identifiers: ClinVar variation 4825156 (VCV004825156.1).